The following is an entry in ClinVar:

ClinVar aggregate classification (germline): Uncertain significance. Review status: criteria provided, multiple submitters, no conflicts (2 of 4 stars). 2 submissions from 2 submitters: Uncertain significance (2). Last evaluated 2025-10-17.

Conditions:
PLXNA4-related disorder. Also called: PLXNA4-related condition.

Submissions (2):

PreventionGenetics, part of Exact Sciences
Classification: Uncertain significance for PLXNA4-related condition. Last evaluated: 2025-10-17. Review status: criteria provided, single submitter. Criteria: ACMG Guidelines, 2015. Collection method: clinical testing. Allele origin: germline.
Comment: The PLXNA4 c.1897G>A variant is predicted to result in the amino acid substitution p.Val633Ile. To our knowledge, this variant has not been reported in the literature. This variant is reported in 0.012% of alleles in individuals of Latino descent in gnomAD. At this time, the clinical significance of this variant is uncertain due to the absence of conclusive functional and genetic evidence.

Ambry Genetics
Classification: Uncertain significance. Last evaluated: 2024-12-11. Review status: criteria provided, single submitter. Criteria: Ambry Variant Classification Scheme 2023. Collection method: clinical testing. Allele origin: germline.

NM_020911.2(PLXNA4):c.1897G>A (p.Val633Ile)

Gene: PLXNA4 (plexin A4; minus strand). Cytogenetic location: 7q32.3.
Variant type: single nucleotide variant.
Coding change: c.1897G>A on transcript NM_020911.2 (MANE Select); coding-DNA position 1897, G replaced by A.
Protein change: p.Val633Ile; replaces valine 633 with isoleucine.
Molecular consequence: missense variant.
Genome position (GRCh38, 1-based): chr7:132,226,246, C>T on the plus strand (G>A on the coding strand, the complement: PLXNA4 is on the minus strand). VCF-style: chr7-132226246-C-T. GRCh37 (hg19) VCF-style: chr7-131911005-C-T.
Other names: c.1897G>A, p.Val633Ile (NM_001393897.1); short protein forms V633I.
Identifiers: ClinVar variation 3890764 (VCV003890764.2).
Genomic context (GRCh38, chr7:132,226,246, plus strand): 5'-AGACAAAGCTGGTGCTGGCGAAGGTCATGCCGGTCTCCTTTGATTTGAGCTGAAGCTGTA[C>T]GACATGGTGGTCCCCTACAAGGAGAGATGGCTGAGGGGTCAGGGAATGCTGAGGCCCCAA-3'
Protein context (NP_065962.1, residues 623-643): IITENGDHHV[Val633Ile]QLQLKSKETG